The following is an entry in ClinVar:

ClinVar aggregate classification (germline): Uncertain significance. Review status: criteria provided, multiple submitters, no conflicts (2 of 4 stars). 3 submissions from 3 submitters: Uncertain significance (3). Last evaluated 2025-03-08.

Conditions:
Inborn genetic diseases. Identifiers: MedGen C0950123, MeSH D030342.
Atypical hemolytic-uremic syndrome with thrombomodulin anomaly. Also called: HEMOLYTIC UREMIC SYNDROME, ATYPICAL, SUSCEPTIBILITY TO, 6; AHUS, SUSCEPTIBILITY TO, 6. Identifiers: MedGen C2752036, MONDO:0013044, OMIM 612926. Disease mechanism: gain of function.

Allele frequency attached by ClinVar (database versions not stated): TOPMed below 0.00001; gnomAD exomes 0.00002.
gnomAD v4.1: 17 of 1,608,706 alleles (0.0011%); highest among the groups gnomAD compares: Non-Finnish European, 0.0014%; no homozygotes.

Submissions (3):

Ambry Genetics
Classification: Uncertain significance for Inborn genetic diseases. Last evaluated: 2025-03-08. Review status: criteria provided, single submitter. Criteria: Ambry Variant Classification Scheme 2023. Collection method: clinical testing. Allele origin: germline.

Labcorp Genetics (formerly Invitae), Labcorp
Classification: Uncertain significance. Last evaluated: 2024-12-24. Review status: criteria provided, single submitter. Criteria: Invitae Variant Classification Sherloc (09022015). Collection method: clinical testing. Allele origin: germline.
Comment: This sequence change replaces valine, which is neutral and non-polar, with methionine, which is neutral and non-polar, at codon 510 of the THBD protein (p.Val510Met). The frequency data for this variant in the population databases is considered unreliable, as metrics indicate poor data quality at this position in the gnomAD database. This variant has not been reported in the literature in individuals affected with THBD-related conditions. ClinVar contains an entry for this variant (Variation ID: 337881). Invitae Evidence Modeling of protein sequence and biophysical properties (such as structural, functional, and spatial information, amino acid conservation, physicochemical variation, residue mobility, and thermodynamic stability) indicates that this missense variant is not expected to disrupt THBD protein function with a negative predictive value of 80%. In summary, the available evidence is currently insufficient to determine the role of this variant in disease. Therefore, it has been classified as a Variant of Uncertain Significance.

Illumina Laboratory Services, Illumina
Classification: Uncertain significance for Atypical hemolytic-uremic syndrome with thrombomodulin anomaly. Last evaluated: 2018-01-13. Review status: criteria provided, single submitter. Criteria: ICSL Variant Classification Criteria 13 December 2019. Collection method: clinical testing. Allele origin: germline.

NM_000361.3(THBD):c.1528G>A (p.Val510Met)

Gene: THBD (thrombomodulin; minus strand). Cytogenetic location: 20p11.21.
Variant type: single nucleotide variant.
Coding change: c.1528G>A on transcript NM_000361.3 (MANE Select); coding-DNA position 1528, G replaced by A.
Protein change: p.Val510Met; replaces valine 510 with methionine.
Molecular consequence: missense variant.
Genome position (GRCh38, 1-based): chr20:23,047,977, C>T on the plus strand (G>A on the coding strand, the complement: THBD is on the minus strand). VCF-style: chr20-23047977-C-T. GRCh37 (hg19) VCF-style: chr20-23028614-C-T.
Other names: short protein forms V510M.
Identifiers: ClinVar variation 337881 (VCV000337881.11), dbSNP rs555537779, ClinGen allele CA10649430.